The following is an entry in ClinVar:

NM_001385.3(DPYS):c.19C>G (p.Leu7Val)

Gene: DPYS (dihydropyrimidinase; minus strand). Cytogenetic location: 8q22.3.
Variant type: single nucleotide variant.
Coding change: c.19C>G on transcript NM_001385.3 (MANE Select); coding-DNA position 19, C replaced by G.
Protein change: p.Leu7Val; replaces leucine 7 with valine.
Molecular consequence: missense variant.
Genome position (GRCh38, 1-based): chr8:104,466,902, G>C on the plus strand (C>G on the coding strand, the complement: DPYS is on the minus strand). VCF-style: chr8-104466902-G-C. GRCh37 (hg19) VCF-style: chr8-105479130-G-C.
Other names: short protein forms L7V.
Identifiers: ClinVar variation 100149 (VCV000100149.18), dbSNP rs57732538, ClinGen allele CA228226.

ClinVar aggregate classification (germline): Likely benign. Review status: criteria provided, multiple submitters, no conflicts (2 of 4 stars). 5 submissions from 5 submitters: Likely benign (3). 2 of the submissions do not count toward it. Last evaluated 2026-01-27.

Conditions:
DPYS-related disorder. Also called: DPYS-related condition.
Dihydropyrimidinase deficiency (DPYSD). Also called: DPH DEFICIENCY; DPYS DEFICIENCY; dihydropyrimidinuria. Identifiers: Orphanet 38874, MedGen C0342803, MONDO:0009111, OMIM 222748.

Allele frequency attached by ClinVar (database versions not stated): gnomAD exomes 0.00105 and 0.00184; ExAC 0.00353; ESP Exome Variant Server 0.00806; gnomAD 0.01227 and 0.01314; 1000 Genomes Project 0.01278; TOPMed 0.01301; 1000 Genomes Project 30x 0.01515.
gnomAD v4.1: 3,377 of 1,502,416 alleles (0.22%); highest among the groups gnomAD compares: African/African-American, 4.3%; 54 homozygotes.

Submissions (5):

Labcorp Genetics (formerly Invitae), Labcorp
Classification: Likely benign. Last evaluated: 2026-01-27. Review status: criteria provided, single submitter. Criteria: Invitae Variant Classification Sherloc (09022015). Collection method: clinical testing. Allele origin: germline.

Illumina Laboratory Services, Illumina
Classification: Likely benign for Dihydropyrimidinase deficiency. Last evaluated: 2017-04-27. Review status: criteria provided, single submitter. Criteria: ICSL Variant Classification Criteria 13 December 2019. Collection method: clinical testing. Allele origin: germline.
Comment: This variant was observed as part of a predisposition screen in an ostensibly healthy population. A literature search was performed for the gene, cDNA change, and amino acid change (where applicable). Publications were found based on this search. The evidence from the literature, in combination with allele frequency data from public databases where available, was sufficient to determine this variant is unlikely to cause disease. Therefore, this variant is classified as likely benign.

Breakthrough Genomics
Classification: Likely benign. Review status: criteria provided, single submitter. Criteria: ACMG Guidelines, 2015. Collection method: not provided. Allele origin: germline. Inheritance: Autosomal recessive inheritance. Affected: yes.

PreventionGenetics, part of Exact Sciences
Classification: Likely benign for DPYS-related condition. Last evaluated: 2019-11-25. Review status: no assertion criteria provided. Collection method: clinical testing. Allele origin: germline. Not counted in ClinVar's aggregate classification.
Comment: This variant is classified as likely benign based on ACMG/AMP sequence variant interpretation guidelines (Richards et al. 2015 PMID: 25741868, with internal and published modifications).

Diasio Lab,  Mayo Clinic
No classification provided. Review status: no classification provided. Collection method: not provided. Allele origin: unknown. Not counted in ClinVar's aggregate classification.

Literature cited by the submitters: PubMed 18075467 (cited by Illumina Laboratory Services, Illumina); PubMed 20362666 (cited by Illumina Laboratory Services, Illumina).